The following is an entry in ClinVar:

ClinVar aggregate classification (germline): Uncertain significance. Review status: criteria provided, multiple submitters, no conflicts (2 of 4 stars). 2 submissions from 2 submitters: Uncertain significance (2). Last evaluated 2022-03-23.

gnomAD v4.1: 73 of 1,614,070 alleles (0.0045%); highest among the groups gnomAD compares: Non-Finnish European, 0.0058%; no homozygotes.

Submissions (2):

Labcorp Genetics (formerly Invitae), Labcorp
Classification: Uncertain significance. Last evaluated: 2022-03-23. Review status: criteria provided, single submitter. Criteria: Invitae Variant Classification Sherloc (09022015). Collection method: clinical testing. Allele origin: germline.
Comment: In summary, the available evidence is currently insufficient to determine the role of this variant in disease. Therefore, it has been classified as a Variant of Uncertain Significance. Algorithms developed to predict the effect of missense changes on protein structure and function (SIFT, PolyPhen-2, Align-GVGD) all suggest that this variant is likely to be disruptive. This variant has not been reported in the literature in individuals affected with FAT2-related conditions. This variant is present in population databases (rs768412789, gnomAD 0.007%). This sequence change replaces proline, which is neutral and non-polar, with arginine, which is basic and polar, at codon 3461 of the FAT2 protein (p.Pro3461Arg).

Ambry Genetics
Classification: Uncertain significance. Last evaluated: 2021-08-17. Review status: criteria provided, single submitter. Criteria: Ambry Variant Classification Scheme 2023. Collection method: clinical testing. Allele origin: germline.

NM_001447.3(FAT2):c.10382C>G (p.Pro3461Arg)

Genes: FAT2 (FAT atypical cadherin 2; minus strand), SLC36A1 (solute carrier family 36 member 1; plus strand). Cytogenetic location: 5q33.1.
Variant type: single nucleotide variant.
Coding change: c.10382C>G on transcript NM_001447.3 (MANE Select); coding-DNA position 10382, C replaced by G.
Protein change: p.Pro3461Arg; replaces proline 3461 with arginine.
Molecular consequence: missense variant.
Genome position (GRCh38, 1-based): chr5:151,525,892, G>C on the plus strand (C>G on the coding strand, the complement: FAT2 is on the minus strand). VCF-style: chr5-151525892-G-C. GRCh37 (hg19) VCF-style: chr5-150905453-G-C.
Other names: short protein forms P3461R.
Identifiers: ClinVar variation 1939920 (VCV001939920.6), dbSNP rs768412789, ClinGen allele CA3520274.